The following is an entry in ClinVar:

ClinVar aggregate classification (germline): Uncertain significance (1 of 4 stars; one submission).

Submission:

Labcorp Genetics (formerly Invitae), Labcorp
Classification: Uncertain significance. Last evaluated: 2023-09-18. Review status: criteria provided, single submitter. Criteria: Invitae Variant Classification Sherloc (09022015). Collection method: clinical testing. Allele origin: germline.
Comment: In summary, the available evidence is currently insufficient to determine the role of this variant in disease. Therefore, it has been classified as a Variant of Uncertain Significance. An algorithm developed to predict the effect of missense changes on protein structure and function (PolyPhen-2) suggests that this variant is likely to be disruptive. This variant has not been reported in the literature in individuals affected with TRIM8-related conditions. This variant is not present in population databases (gnomAD no frequency). This sequence change replaces serine, which is neutral and polar, with tryptophan, which is neutral and slightly polar, at codon 499 of the TRIM8 protein (p.Ser499Trp).

NM_030912.3(TRIM8):c.1496C>G (p.Ser499Trp)

Gene: TRIM8 (tripartite motif containing 8; plus strand). Cytogenetic location: 10q24.32.
Variant type: single nucleotide variant.
Coding change: c.1496C>G on transcript NM_030912.3 (MANE Select); coding-DNA position 1496, C replaced by G.
Protein change: p.Ser499Trp; replaces serine 499 with tryptophan.
Molecular consequence: missense variant. On other transcripts: non-coding transcript variant (1).
Genome position (GRCh38, 1-based): chr10:102,657,194, C>G. VCF-style: chr10-102657194-C-G. GRCh37 (hg19) VCF-style: chr10-104416951-C-G.
Other names: c.1400C>G, p.Ser467Trp (NM_001345950.1); short protein forms S499W, S467W.
Identifiers: ClinVar variation 3009706 (VCV003009706.3), dbSNP rs2064033319, ClinGen allele CA377932811.